The following is an entry in ClinVar:

NM_001018115.3(FANCD2):c.692T>G (p.Leu231Arg)

Genes: FANCD2 (FA complementation group D2; plus strand), LOC107303338 (3p25 FANCD2 Alu-mediated recombination region; plus strand). Cytogenetic location: 3p25.3.
Variant type: single nucleotide variant.
Coding change: c.692T>G on transcript NM_001018115.3 (MANE Select); coding-DNA position 692, T replaced by G.
Protein change: p.Leu231Arg; replaces leucine 231 with arginine.
Molecular consequence: missense variant.
Genome position (GRCh38, 1-based): chr3:10,039,842, T>G. VCF-style: chr3-10039842-T-G. GRCh37 (hg19) VCF-style: chr3-10081526-T-G.
Other names: c.692T>G, p.Leu231Arg (NM_001319984.2, NM_001374253.1, NM_001374254.1 and 2 more transcripts); short protein forms L231R.
Identifiers: ClinVar variation 929643 (VCV000929643.1), dbSNP rs2086819957, ClinGen allele CA351725341.

ClinVar aggregate classification (germline): Pathogenic (0 of 4 stars; one submission).

Conditions:
Fanconi anemia complementation group D2. Also called: FANCD2-Related Fanconi Anemia; FANCONI PANCYTOPENIA, TYPE 4; FANCONI ANEMIA, COMPLEMENTATION GROUP D. Identifiers: Orphanet 84, MedGen C3160738, MONDO:0009214, OMIM 227646.

Allele frequency attached by ClinVar (database versions not stated): gnomAD exomes below 0.00001.
gnomAD v4.1: 4 of 1,613,974 alleles (0.00025%); highest among the groups gnomAD compares: Non-Finnish European, 0.00034%; no homozygotes.

Submission:

Leiden Open Variation Database
Classification: Pathogenic for Fanconi anemia complementation group D2. Last evaluated: 2020-02-28. Review status: no assertion criteria provided. Collection method: curation. Allele origin: germline. Affected: yes.
Comment: Curator: Arleen D. Auerbach. Submitter to LOVD: Arleen D. Auerbach.

Literature cited by the submitters: PubMed 17436244.